The following is an entry in ClinVar:

NM_021008.4(DEAF1):c.277_282dup (p.Ala94_Phe95insAlaAla)

Gene: DEAF1 (DEAF1 transcription factor; minus strand). Cytogenetic location: 11p15.5.
Variant type: Duplication.
Coding change: c.277_282dup on transcript NM_021008.4 (MANE Select); coding-DNA positions 277 to 282, 6 bases duplicated (GCAGCC; older notation c.277_282dupGCAGCC).
Protein change: p.Ala94_Phe95insAlaAla.
Molecular consequence: 5 prime UTR variant (on NM_001440885.1). On other transcripts: intron variant (1).
Genome position (GRCh38, 1-based): chr11:694,766-694,771, GGCTGC duplicated on the plus strand (GCAGCC on the coding strand, the reverse complement: DEAF1 is on the minus strand); duplicating any 6 consecutive bases within chr11:694,766-694,774 gives the same sequence; the c. name uses the placement nearest the transcript's 3' end. VCF-style (leftmost placement, unchanged base first): chr11-694765-A-AGGCTGC. GRCh37 (hg19) VCF-style: chr11-694765-A-AGGCTGC.
Other names: c.277_282dup, p.Ala94_Phe95insAlaAla (NM_001293634.2, NM_001440883.1, NM_001440884.1); c.-320_-315dup (NM_001440885.1); c.-1720_-1715dup (NM_001440886.1); c.-530_-525dup (NM_001440887.1); c.-437-3173_-437-3168dup (NM_001367390.1).
Identifiers: ClinVar variation 4770353 (VCV004770353.1).

ClinVar aggregate classification (germline): Uncertain significance (1 of 4 stars; one submission).

Submission:

Labcorp Genetics (formerly Invitae), Labcorp
Classification: Uncertain significance. Last evaluated: 2025-07-28. Review status: criteria provided, single submitter. Criteria: Invitae Variant Classification Sherloc (09022015). Collection method: clinical testing. Allele origin: germline.
Comment: This variant, c.277_282dup, results in the insertion of 2 amino acid(s) of the DEAF1 protein (p.Ala93_Ala94dup), but otherwise preserves the integrity of the reading frame. This variant is not present in population databases (gnomAD no frequency). This variant has not been reported in the literature in individuals affected with DEAF1-related conditions. Experimental studies and prediction algorithms are not available or were not evaluated, and the functional significance of this variant is currently unknown. In summary, the available evidence is currently insufficient to determine the role of this variant in disease. Therefore, it has been classified as a Variant of Uncertain Significance.